The following is an entry in ClinVar:

NM_022725.4(FANCF):c.88A>G (p.Thr30Ala)

Gene: FANCF (FA complementation group F; minus strand). Cytogenetic location: 11p14.3.
Variant type: single nucleotide variant.
Coding change: c.88A>G on transcript NM_022725.4 (MANE Select); coding-DNA position 88, A replaced by G.
Protein change: p.Thr30Ala; replaces threonine 30 with alanine.
Molecular consequence: missense variant.
Genome position (GRCh38, 1-based): chr11:22,625,723, T>C on the plus strand (A>G on the coding strand, the complement: FANCF is on the minus strand). VCF-style: chr11-22625723-T-C. GRCh37 (hg19) VCF-style: chr11-22647269-T-C.
Other names: short protein forms T30A.
Identifiers: ClinVar variation 2716978 (VCV002716978.3), dbSNP rs2494871393, ClinGen allele CA380059722.

ClinVar aggregate classification (germline): Uncertain significance (1 of 4 stars; one submission).

Conditions:
Fanconi anemia (FA). Also called: Fanconi's anemia. Identifiers: Orphanet 84, MedGen C0015625, MeSH D005199, MONDO:0019391.

Submission:

Labcorp Genetics (formerly Invitae), Labcorp
Classification: Uncertain significance for Fanconi anemia. Last evaluated: 2024-01-16. Review status: criteria provided, single submitter. Criteria: Invitae Variant Classification Sherloc (09022015). Collection method: clinical testing. Allele origin: germline.
Comment: This sequence change replaces threonine, which is neutral and polar, with alanine, which is neutral and non-polar, at codon 30 of the FANCF protein (p.Thr30Ala). This variant is not present in population databases (gnomAD no frequency). This variant has not been reported in the literature in individuals affected with FANCF-related conditions. Advanced modeling of protein sequence and biophysical properties (such as structural, functional, and spatial information, amino acid conservation, physicochemical variation, residue mobility, and thermodynamic stability) performed at Invitae indicates that this missense variant is not expected to disrupt FANCF protein function with a negative predictive value of 80%. In summary, the available evidence is currently insufficient to determine the role of this variant in disease. Therefore, it has been classified as a Variant of Uncertain Significance.